The following is an entry in ClinVar:

ClinVar aggregate classification (germline): Benign/Likely benign. Review status: criteria provided, multiple submitters, no conflicts (2 of 4 stars). 7 submissions from 7 submitters: Benign (3); Likely benign (4). Last evaluated 2026-08-01.

Conditions:
Inborn genetic diseases. Identifiers: MedGen C0950123, MeSH D030342.
KBG syndrome (KBGS). Also called: ANKRD11-Related KBG Syndrome. Identifiers: Orphanet 2332, MedGen C0220687, MONDO:0007846, OMIM 148050.

Allele frequency attached by ClinVar (database versions not stated): 1000 Genomes Project 30x 0.00094; 1000 Genomes Project 0.00100; ExAC 0.00106; ESP Exome Variant Server 0.00123; gnomAD 0.00126 and 0.00131; gnomAD exomes 0.00130 and 0.00135; TOPMed 0.00177.
gnomAD v4.1: 2,201 of 1,614,202 alleles (0.14%); highest among the groups gnomAD compares: Admixed American, 0.38%; 3 homozygotes.

Submissions (11):

CeGaT Center for Human Genetics Tuebingen
Classification: Likely benign. Last evaluated: 2026-08-01. Review status: criteria provided, single submitter. Criteria: CeGaT Center For Human Genetics Tuebingen Variant Classification Criteria Version 2. Collection method: clinical testing. Allele origin: germline. Affected: yes. Observed: 22 variant alleles.
Comment: ANKRD11: BS1

Labcorp Genetics (formerly Invitae), Labcorp
Classification: Likely benign for KBG syndrome. Last evaluated: 2026-01-14. Review status: criteria provided, single submitter. Criteria: Invitae Variant Classification Sherloc (09022015). Collection method: clinical testing. Allele origin: germline.

ARUP Laboratories, Molecular Genetics and Genomics, ARUP Laboratories
Classification: Likely benign for KBG syndrome. Last evaluated: 2025-04-30. Review status: criteria provided, single submitter. Criteria: ARUP Molecular Germline Variant Investigation Process 2024. Collection method: clinical testing. Allele origin: germline.

Blueprint Genetics
Classification: Likely benign. Last evaluated: 2024-11-21. Review status: criteria provided, single submitter. Criteria: ACMG Guidelines, 2015. Collection method: clinical testing. Allele origin: germline.

Genome-Nilou Lab
Classification: Benign for KBG syndrome. Last evaluated: 2021-12-05. Review status: criteria provided, single submitter. Criteria: ACMG Guidelines, 2015. Collection method: clinical testing. Allele origin: germline. Affected: no.

GeneDx
Classification: Benign. Last evaluated: 2019-04-18. Review status: criteria provided, single submitter. Criteria: GeneDx Variant Classification Process June 2021. Collection method: clinical testing. Allele origin: germline. Affected: yes.

Ambry Genetics
Classification: Benign for Inborn genetic diseases. Last evaluated: 2019-03-07. Review status: criteria provided, single submitter. Criteria: Ambry Variant Classification Scheme 2023. Collection method: clinical testing. Allele origin: germline.

Dr. Peter K. Rogan Lab, Western University
No classification provided (evidence only). Condition: Clear cell carcinoma of kidney. Review status: no classification provided. Collection method: in vitro. Allele origin: not applicable. Functional consequence: retained intron. Not counted in ClinVar's aggregate classification.

Dr. Peter K. Rogan Lab, Western University
No classification provided (evidence only). Condition: Cholangiocarcinoma. Review status: no classification provided. Collection method: in vitro. Allele origin: not applicable. Functional consequence: retained intron. Not counted in ClinVar's aggregate classification.

Dr. Peter K. Rogan Lab, Western University
No classification provided (evidence only). Condition: Gastric cancer. Review status: no classification provided. Collection method: in vitro. Allele origin: not applicable. Functional consequence: retained intron. Not counted in ClinVar's aggregate classification.

Dr. Peter K. Rogan Lab, Western University
No classification provided (evidence only). Condition: Gastric cancer. Review status: no classification provided. Collection method: in vitro. Allele origin: not applicable. Functional consequence: retained intron. Not counted in ClinVar's aggregate classification.

NM_013275.6(ANKRD11):c.890C>T (p.Thr297Met)

Gene: ANKRD11 (ankyrin repeat domain 11; minus strand). Cytogenetic location: 16q24.3.
Variant type: single nucleotide variant.
Coding change: c.890C>T on transcript NM_013275.6 (MANE Select); coding-DNA position 890, C replaced by T.
Protein change: p.Thr297Met; replaces threonine 297 with methionine.
Molecular consequence: missense variant.
Genome position (GRCh38, 1-based): chr16:89,286,041, G>A on the plus strand (C>T on the coding strand, the complement: ANKRD11 is on the minus strand). VCF-style: chr16-89286041-G-A. GRCh37 (hg19) VCF-style: chr16-89352449-G-A.
Other names: c.890C>T, p.Thr297Met (NM_001256182.2, NM_001256183.2); short protein forms T297M.
Identifiers: ClinVar variation 588222 (VCV000588222.83), dbSNP rs140998225, ClinGen allele CA8242914.